The following is an entry in ClinVar:

ClinVar aggregate classification (germline): Pathogenic. Review status: criteria provided, single submitter (1 of 4 stars). 2 submissions from 2 submitters: Pathogenic (1). 1 of the submissions does not count toward it.

Conditions:
Factor V deficiency. Also called: Reduced coagulation factor V activity. Identifiers: Orphanet 326, MedGen C4317320, MONDO:0020586, HP:0003225.

Submissions (2):

ISTH-SSC Genomics in Thrombosis and Hemostasis, KU Leuven, Center for Molecular and Vascular Biology
Classification: Pathogenic for Congenital factor V deficiency. Review status: criteria provided, single submitter. Criteria: ACMG Guidelines, 2015. Collection method: clinical testing. Allele origin: germline. Affected: yes. Observed: 1 homozygote.
Comment: Submitted to GoldVariant by Kathleen Freson, Center for Molecular and Vascular Biology, Leuven, Belgium

OMIM
Classification: Pathogenic for FACTOR V DEFICIENCY. Last evaluated: 2001-07-15. Review status: no assertion criteria provided. Collection method: literature only. Allele origin: germline. Not counted in ClinVar's aggregate classification.

Literature cited by the submitters: PubMed 11435304 (cited by OMIM); PubMed 9488630 (cited by OMIM).

NM_000130.5(F5):c.2401C>T (p.Gln801Ter)

Gene: F5 (coagulation factor V; minus strand). Cytogenetic location: 1q24.2.
Variant type: single nucleotide variant.
Coding change: c.2401C>T on transcript NM_000130.5 (MANE Select); coding-DNA position 2401, C replaced by T.
Protein change: p.Gln801Ter; replaces glutamine 801 with a stop codon.
Molecular consequence: nonsense.
Genome position (GRCh38, 1-based): chr1:169,542,689, G>A on the plus strand (C>T on the coding strand, the complement: F5 is on the minus strand). VCF-style: chr1-169542689-G-A. GRCh37 (hg19) VCF-style: chr1-169511927-G-A.
Other names: F5, GLN773TER; Q773*; short protein forms Q801*.
Identifiers: ClinVar variation 650 (VCV000000650.2), dbSNP rs118203908, ClinGen allele CA251553.